The following is an entry in ClinVar:

NM_182760.4(SUMF1):c.263A>C (p.His88Pro)

Genes: SUMF1 (sulfatase modifying factor 1; minus strand), LOC129936056 (ATAC-STARR-seq lymphoblastoid silent region 14016; plus strand). Cytogenetic location: 3p26.1.
Variant type: single nucleotide variant.
Coding change: c.263A>C on transcript NM_182760.4 (MANE Select); coding-DNA position 263, A replaced by C.
Protein change: p.His88Pro; replaces histidine 88 with proline.
Molecular consequence: missense variant.
Genome position (GRCh38, 1-based): chr3:4,466,983, T>G on the plus strand (A>C on the coding strand, the complement: SUMF1 is on the minus strand). VCF-style: chr3-4466983-T-G. GRCh37 (hg19) VCF-style: chr3-4508667-T-G.
Other names: c.263A>C, p.His88Pro (NM_001164674.2, NM_001164675.2); short protein forms H88P.
Identifiers: ClinVar variation 345324 (VCV000345324.6), dbSNP rs768876680, ClinGen allele CA10618561.

ClinVar aggregate classification (germline): Uncertain significance. Review status: criteria provided, multiple submitters, no conflicts (2 of 4 stars). 2 submissions from 2 submitters: Uncertain significance (2). Last evaluated 2022-10-14.

Conditions:
Multiple sulfatase deficiency (MSD). Also called: Mucosulfatidosis; Multiple Sulfatase Deficiency Disease; Sulfatidosis, Juvenile, Austin Type. Identifiers: Orphanet 585, MedGen C0268263, MONDO:0010088, OMIM 272200.

Allele frequency attached by ClinVar (database versions not stated): gnomAD 0.00001; TOPMed 0.00002.
gnomAD v4.1: 9 of 1,603,316 alleles (0.00056%); highest among the groups gnomAD compares: Non-Finnish European, 0.00076%; no homozygotes.

Submissions (2):

Labcorp Genetics (formerly Invitae), Labcorp
Classification: Uncertain significance for Multiple sulfatase deficiency. Last evaluated: 2022-10-14. Review status: criteria provided, single submitter. Criteria: Invitae Variant Classification Sherloc (09022015). Collection method: clinical testing. Allele origin: germline.
Comment: This sequence change replaces histidine, which is basic and polar, with proline, which is neutral and non-polar, at codon 88 of the SUMF1 protein (p.His88Pro). This variant is present in population databases (no rsID available, gnomAD 0.002%). This variant has not been reported in the literature in individuals affected with SUMF1-related conditions. ClinVar contains an entry for this variant (Variation ID: 345324). Advanced modeling of protein sequence and biophysical properties (such as structural, functional, and spatial information, amino acid conservation, physicochemical variation, residue mobility, and thermodynamic stability) performed at Invitae indicates that this missense variant is not expected to disrupt SUMF1 protein function. In summary, the available evidence is currently insufficient to determine the role of this variant in disease. Therefore, it has been classified as a Variant of Uncertain Significance.

Illumina Laboratory Services, Illumina
Classification: Uncertain significance for Multiple sulfatase deficiency. Last evaluated: 2018-01-13. Review status: criteria provided, single submitter. Criteria: ICSL Variant Classification Criteria 13 December 2019. Collection method: clinical testing. Allele origin: germline.